The following is an entry in ClinVar:

NM_025215.6(PUS1):c.717C>G (p.Tyr239Ter)

Gene: PUS1 (pseudouridine synthase 1; plus strand). Cytogenetic location: 12q24.33.
Variant type: single nucleotide variant.
Coding change: c.717C>G on transcript NM_025215.6 (MANE Select); coding-DNA position 717, C replaced by G.
Protein change: p.Tyr239Ter; replaces tyrosine 239 with a stop codon.
Molecular consequence: nonsense.
Genome position (GRCh38, 1-based): chr12:131,941,464, C>G. VCF-style: chr12-131941464-C-G. GRCh37 (hg19) VCF-style: chr12-132426009-C-G.
Other names: c.633C>G, p.Tyr211Ter (NM_001002019.3, NM_001002020.3); short protein forms Y211*, Y239*.
Identifiers: ClinVar variation 2854983 (VCV002854983.3), dbSNP rs779651314, ClinGen allele CA387299026.

ClinVar aggregate classification (germline): Pathogenic (1 of 4 stars; one submission).

Submission:

Labcorp Genetics (formerly Invitae), Labcorp
Classification: Pathogenic. Last evaluated: 2023-04-11. Review status: criteria provided, single submitter. Criteria: Invitae Variant Classification Sherloc (09022015). Collection method: clinical testing. Allele origin: germline.
Comment: For these reasons, this variant has been classified as Pathogenic. This variant has not been reported in the literature in individuals affected with PUS1-related conditions. This variant is not present in population databases (gnomAD no frequency). This sequence change creates a premature translational stop signal (p.Tyr239*) in the PUS1 gene. It is expected to result in an absent or disrupted protein product. Loss-of-function variants in PUS1 are known to be pathogenic (PMID: 17056637, 19731322, 25058219, 26556812).

Literature cited by the submitters: PubMed 17056637; PubMed 19731322; PubMed 25058219; PubMed 26556812.